The following is an entry in ClinVar:

ClinVar aggregate classification (germline): Uncertain significance (1 of 4 stars; one submission).

Allele frequency attached by ClinVar (database versions not stated): ExAC 0.00002.

Submission:

Labcorp Genetics (formerly Invitae), Labcorp
Classification: Uncertain significance. Last evaluated: 2023-07-26. Review status: criteria provided, single submitter. Criteria: Invitae Variant Classification Sherloc (09022015). Collection method: clinical testing. Allele origin: germline.
Comment: In summary, the available evidence is currently insufficient to determine the role of this variant in disease. Therefore, it has been classified as a Variant of Uncertain Significance. An algorithm developed to predict the effect of missense changes on protein structure and function (PolyPhen-2) suggests that this variant is likely to be disruptive. ClinVar contains an entry for this variant (Variation ID: 1952485). This variant has not been reported in the literature in individuals affected with RIPK1-related conditions. This variant is present in population databases (rs777967449, gnomAD 0.003%). This sequence change replaces proline, which is neutral and non-polar, with alanine, which is neutral and non-polar, at codon 141 of the RIPK1 protein (p.Pro141Ala).

NM_001354930.2(RIPK1):c.421C>G (p.Pro141Ala)

Gene: RIPK1 (receptor interacting serine/threonine kinase 1; plus strand). Cytogenetic location: 6p25.2.
Variant type: single nucleotide variant.
Coding change: c.421C>G on transcript NM_001354930.2 (MANE Select); coding-DNA position 421, C replaced by G.
Protein change: p.Pro141Ala; replaces proline 141 with alanine.
Molecular consequence: missense variant. On other transcripts: 5 prime UTR variant (4), intron variant (1).
Genome position (GRCh38, 1-based): chr6:3,081,078, C>G. VCF-style: chr6-3081078-C-G. GRCh37 (hg19) VCF-style: chr6-3081312-C-G.
Other names: c.-183C>G (NM_001317061.3, NM_001354932.2, NM_001354933.2 and 1 more transcripts); c.421C>G, p.Pro141Ala (NM_003804.6); c.322-2007C>G (NM_001354931.2); short protein forms P141A.
Identifiers: ClinVar variation 1952485 (VCV001952485.5), dbSNP rs777967449, ClinGen allele CA3618177.
Genomic context (GRCh38, chr6:3,081,078, plus strand): 5'-GAAATCATTGAAGGAATGTGCTACTTACATGGAAAAGGCGTGATACACAAGGACCTGAAG[C>G]CTGAAAATATCCTTGTTGATAATGACTTCCACATTAAGGTAAACCATCATCGGTAGGCTT-3'
Protein context (NP_001341859.1, residues 131-151): GKGVIHKDLK[Pro141Ala]ENILVDNDFH